The following is an entry in ClinVar:

NM_000543.5(SMPD1):c.777G>C (p.Leu259=)

Gene: SMPD1 (sphingomyelin phosphodiesterase 1; plus strand). Cytogenetic location: 11p15.4.
Variant type: single nucleotide variant.
Coding change: c.777G>C on transcript NM_000543.5 (MANE Select); coding-DNA position 777, G replaced by C.
Protein change: p.Leu259=; no amino-acid change (leucine 259 retained).
Molecular consequence: synonymous variant. On other transcripts: 5 prime UTR variant (1), non-coding transcript variant (1).
Genome position (GRCh38, 1-based): chr11:6,391,842, G>C. VCF-style: chr11-6391842-G-C. GRCh37 (hg19) VCF-style: chr11-6413072-G-C.
Other names: c.774G>C, p.Leu258= (NM_001007593.3); c.777G>C, p.Leu259= (NM_001318087.2, NM_001365135.2); c.-185G>C (NM_001318088.2).
Identifiers: ClinVar variation 4979801 (VCV004979801.1).

ClinVar aggregate classification (germline): Likely benign (1 of 4 stars; one submission).

Conditions:
SMPD1-related disorder. Also called: SMPD1-related condition.

Submission:

PreventionGenetics, part of Exact Sciences
Classification: Likely benign for SMPD1-related condition. Last evaluated: 2025-05-05. Review status: criteria provided, single submitter. Criteria: ACMG Guidelines, 2015. Collection method: clinical testing. Allele origin: germline.
Comment: This variant is classified as likely benign based on ACMG/AMP sequence variant interpretation guidelines (Richards et al. 2015 PMID: 25741868, with internal and published modifications).